The following is an entry in ClinVar:

NM_007215.4(POLG2):c.1292A>G (p.Lys431Arg)

Genes: MILR1 (mast cell immunoglobulin like receptor 1; plus strand), POLG2 (DNA polymerase gamma 2, accessory subunit; minus strand). Cytogenetic location: 17q23.3.
Variant type: single nucleotide variant.
Coding change: c.1292A>G on transcript NM_007215.4 (MANE Select); coding-DNA position 1292, A replaced by G.
Protein change: p.Lys431Arg; replaces lysine 431 with arginine.
Molecular consequence: missense variant.
Genome position (GRCh38, 1-based): chr17:64,480,289, T>C on the plus strand (A>G on the coding strand, the complement: POLG2 is on the minus strand). VCF-style: chr17-64480289-T-C. GRCh37 (hg19) VCF-style: chr17-62476406-T-C.
Other names: short protein forms K431R.
Identifiers: ClinVar variation 973322 (VCV000973322.12), dbSNP rs782193946, ClinGen allele CA8712784.

ClinVar aggregate classification (germline): Uncertain significance. Review status: criteria provided, multiple submitters, no conflicts (2 of 4 stars). 3 submissions from 3 submitters: Uncertain significance (3). Last evaluated 2025-09-15.

Conditions:
POLG2-related spectrum disorders.

Allele frequency attached by ClinVar (database versions not stated): gnomAD exomes below 0.00001 and 0.00001; TOPMed below 0.00001; ExAC 0.00001; gnomAD 0.00001.
gnomAD v4.1: 5 of 1,459,892 alleles (0.00034%); highest among the groups gnomAD compares: Admixed American, 0.0017%; no homozygotes.

Submissions (3):

Labcorp Genetics (formerly Invitae), Labcorp
Classification: Uncertain significance. Last evaluated: 2025-09-15. Review status: criteria provided, single submitter. Criteria: Invitae Variant Classification Sherloc (09022015). Collection method: clinical testing. Allele origin: germline.
Comment: This sequence change replaces lysine, which is basic and polar, with arginine, which is basic and polar, at codon 431 of the POLG2 protein (p.Lys431Arg). This variant is present in population databases (rs782193946, gnomAD 0.002%). This variant has not been reported in the literature in individuals affected with POLG2-related conditions. ClinVar contains an entry for this variant (Variation ID: 973322). An algorithm developed to predict the effect of missense changes on protein structure and function outputs the following: PolyPhen-2: "Benign". The arginine amino acid residue is found in multiple mammalian species, which suggests that this missense change does not adversely affect protein function. In summary, the available evidence is currently insufficient to determine the role of this variant in disease. Therefore, it has been classified as a Variant of Uncertain Significance.

GeneDx
Classification: Uncertain significance. Last evaluated: 2025-07-30. Review status: criteria provided, single submitter. Criteria: GeneDx Variant Classification Process June 2021. Collection method: clinical testing. Allele origin: germline. Affected: yes.
Comment: Has not been previously published as pathogenic or benign to our knowledge; Not observed at significant frequency in large population cohorts (gnomAD); In silico analysis suggests that this missense variant does not alter protein structure/function

Illumina Laboratory Services, Illumina
Classification: Uncertain significance for POLG2-related spectrum disorders. Last evaluated: 2020-02-27. Review status: criteria provided, single submitter. Criteria: ICSLVariantClassificationCriteria RUGD 01 April 2020. Collection method: clinical testing. Allele origin: unknown.
Comment: The POLG2 c.1292A>G (p.Lys431Arg) variant is a missense variant. A literature search was performed for the gene, cDNA change and amino acid change. No publications were found based on this search. The variant is reported at a frequency of 0.000018 in the European (non-Finnish) population of the Genome Aggregation Database, though this is based on two alleles in a region of good sequence coverage, so the variant is presumed to be rare. Based on the limited evidence, the p.Lys431Arg variant is classified as a variant of unknown significance for POLG2-related spectrum disorders.